The following is an entry in ClinVar:

ClinVar aggregate classification (germline): Uncertain significance. Review status: criteria provided, multiple submitters, no conflicts (2 of 4 stars). 4 submissions from 4 submitters: Uncertain significance (4). Last evaluated 2023-11-22.

Conditions:
Cardiovascular phenotype. Identifiers: MedGen CN230736.
Catecholaminergic polymorphic ventricular tachycardia (CVPT). Also called: Catecholamine-induced polymorphic ventricular tachycardia. Identifiers: Orphanet 3286, MedGen C5574922, MONDO:0017990.
Catecholaminergic polymorphic ventricular tachycardia 1. Also called: VENTRICULAR TACHYCARDIA, STRESS-INDUCED POLYMORPHIC 1; VENTRICULAR TACHYCARDIA, CATECHOLAMINERGIC POLYMORPHIC, 1, WITH OR WITHOUT ATRIAL DYSFUNCTION AND/OR DILATED CARDIOMYOPATHY; RYR2-Related Catecholaminergic Polymorphic Ventricular Tachycardia. Identifiers: Orphanet 3286, MedGen C1631597, MONDO:0011484, OMIM 604772.

Allele frequency attached by ClinVar (database versions not stated): gnomAD exomes below 0.00001 and 0.00002; TOPMed below 0.00001; gnomAD 0.00001.
gnomAD v4.1: 29 of 1,613,672 alleles (0.0018%); highest among the groups gnomAD compares: Non-Finnish European, 0.0022%; no homozygotes.

Submissions (4):

Labcorp Genetics (formerly Invitae), Labcorp
Classification: Uncertain significance for Catecholaminergic polymorphic ventricular tachycardia 1. Last evaluated: 2023-11-22. Review status: criteria provided, single submitter. Criteria: Invitae Variant Classification Sherloc (09022015). Collection method: clinical testing. Allele origin: germline.
Comment: This sequence change replaces alanine, which is neutral and non-polar, with valine, which is neutral and non-polar, at codon 4051 of the RYR2 protein (p.Ala4051Val). This variant is present in population databases (no rsID available, gnomAD 0.002%). This missense change has been observed in individual(s) with sudden death (PMID: 28449774). ClinVar contains an entry for this variant (Variation ID: 1053844). Advanced modeling of protein sequence and biophysical properties (such as structural, functional, and spatial information, amino acid conservation, physicochemical variation, residue mobility, and thermodynamic stability) performed at Invitae indicates that this missense variant is not expected to disrupt RYR2 protein function with a negative predictive value of 95%. In summary, the available evidence is currently insufficient to determine the role of this variant in disease. Therefore, it has been classified as a Variant of Uncertain Significance.

All of Us Research Program, National Institutes of Health
Classification: Uncertain significance for Catecholaminergic polymorphic ventricular tachycardia. Last evaluated: 2023-03-09. Review status: criteria provided, single submitter. Criteria: ACMG Guidelines, 2015. Collection method: clinical testing. Allele origin: germline. Inheritance: Autosomal dominant inheritance. Observed: 1 variant allele, 1 heterozygote.
Comment: This missense variant replaces alanine with valine at codon 4051 of the RYR2 protein. Computational prediction suggests that this variant may not impact protein structure and function (internally defined REVEL score threshold <= 0.5, PMID: 27666373). To our knowledge, functional studies have not been reported for this variant. This variant has been reported in an individual affected with sudden arrhythmic death syndrome (PMID: 28449774). This variant has been identified in 2/279622 chromosomes in the general population by the Genome Aggregation Database (gnomAD). The available evidence is insufficient to determine the role of this variant in disease conclusively. Therefore, this variant is classified as a Variant of Uncertain Significance.

This study involves interpretation of variants in research participants for the purpose of population health screening. Participant phenotype was not available at the time of variant classification. Additional details can be found in publication PMID: 35346344, PMCID: PMC8962531

Ambry Genetics
Classification: Uncertain significance for Cardiovascular phenotype. Last evaluated: 2021-06-22. Review status: criteria provided, single submitter. Criteria: Ambry Variant Classification Scheme 2023. Collection method: clinical testing. Allele origin: germline.
Comment: The p.A4051V variant (also known as c.12152C>T), located in coding exon 90 of the RYR2 gene, results from a C to T substitution at nucleotide position 12152. The alanine at codon 4051 is replaced by valine, an amino acid with similar properties. This alteration has been reported in sudden cardiac death cohort (Lahrouchi N et al. J. Am. Coll. Cardiol., 2017 May;69:2134-2145). This amino acid position is highly conserved in available vertebrate species; however, valine is the reference amino acid in other vertebrate species. In addition, the in silico prediction for this alteration is inconclusive. Since supporting evidence is limited at this time, the clinical significance of this alteration remains unclear.

GeneDx
Classification: Uncertain significance. Last evaluated: 2021-04-01. Review status: criteria provided, single submitter. Criteria: GeneDx Variant Classification Process June 2021. Collection method: clinical testing. Allele origin: germline. Affected: yes.
Comment: Not observed at a significant frequency in large population cohorts (Lek et al., 2016); In silico analysis, which includes protein predictors and evolutionary conservation, supports a deleterious effect; Located in one of the three hot-spot regions of the RYR2 gene, where the majority of pathogenic missense variants occur (Medeiros-Domingo et al., 2009); This variant is associated with the following publications: (PMID: 28449774)

Literature cited by the submitters: PubMed 28449774 (cited by 3 submitters).

NM_001035.3(RYR2):c.12152C>T (p.Ala4051Val)

Gene: RYR2 (ryanodine receptor 2; plus strand). Cytogenetic location: 1q43.
Variant type: single nucleotide variant.
Coding change: c.12152C>T on transcript NM_001035.3 (MANE Select); coding-DNA position 12152, C replaced by T.
Protein change: p.Ala4051Val; replaces alanine 4051 with valine.
Molecular consequence: missense variant.
Genome position (GRCh38, 1-based): chr1:237,783,864, C>T. VCF-style: chr1-237783864-C-T. GRCh37 (hg19) VCF-style: chr1-237947164-C-T.
Other names: short protein forms A4051V.
Identifiers: ClinVar variation 1053844 (VCV001053844.15), dbSNP rs1326672128, ClinGen allele CA345412296.